The following is an entry in ClinVar:

ClinVar aggregate classification (germline): Uncertain significance (1 of 4 stars; one submission).

Conditions:
Hereditary breast ovarian cancer syndrome. Also called: Hereditary breast and/or ovarian cancer syndrome; Hereditary breast and ovarian cancer syndrome (HBOC); Breast and ovarian cancer; Hereditary breast and ovarian cancer; BRCA1- and BRCA2-Associated Hereditary Breast and Ovarian Cancer; Hereditary breast and ovarian cancer syndrome. Identifiers: Orphanet 145, MedGen C0677776, MeSH D061325, MONDO:0003582. Disease mechanism: loss of function.

Submission:

Labcorp Genetics (formerly Invitae), Labcorp
Classification: Uncertain significance for Hereditary breast ovarian cancer syndrome. Last evaluated: 2023-05-22. Review status: criteria provided, single submitter. Criteria: Invitae Variant Classification Sherloc (09022015). Collection method: clinical testing. Allele origin: germline.
Comment: In summary, the available evidence is currently insufficient to determine the role of this variant in disease. Therefore, it has been classified as a Variant of Uncertain Significance. Experimental studies and prediction algorithms are not available or were not evaluated, and the functional significance of this variant is currently unknown. This variant has not been reported in the literature in individuals affected with BRCA1-related conditions. This variant results in a copy number gain of the genomic region encompassing exon(s) 1-18 of the BRCA1 gene. This region includes the initiator codon of the gene. This copy number gain extends beyond the assayed region for this gene and therefore may encompass additional genes. As the precise location of this event is unknown, it may be in tandem or it may be located elsewhere in the genome.

NC_000017.11:g.(?_43063313)_(43125483_?)dup

Gene: BRCA1 (BRCA1 DNA repair associated; minus strand). Cytogenetic location: 17q21.31.
Variant type: Duplication.
Identifiers: ClinVar variation 830747 (VCV000830747.3).